The following is an entry in ClinVar:

NM_020631.6(PLEKHG5):c.1385A>G (p.Tyr462Cys)

Gene: PLEKHG5 (pleckstrin homology and RhoGEF domain containing G5; minus strand). Cytogenetic location: 1p36.31.
Variant type: single nucleotide variant.
Coding change: c.1385A>G on transcript NM_020631.6 (MANE Select); coding-DNA position 1385, A replaced by G.
Protein change: p.Tyr462Cys; replaces tyrosine 462 with cysteine.
Molecular consequence: missense variant.
Genome position (GRCh38, 1-based): chr1:6,470,997, T>C on the plus strand (A>G on the coding strand, the complement: PLEKHG5 is on the minus strand). VCF-style: chr1-6470997-T-C. GRCh37 (hg19) VCF-style: chr1-6531057-T-C.
Other names: c.1496A>G, p.Tyr499Cys (NM_001042663.3, NM_001265592.2); c.1385A>G, p.Tyr462Cys (NM_001042664.2, NM_001042665.2, NM_001265594.3 and 1 more transcripts); c.1592A>G, p.Tyr531Cys (NM_001265593.2); short protein forms Y462C, Y499C, Y531C.
Identifiers: ClinVar variation 1055008 (VCV001055008.9), dbSNP rs2148583545, ClinGen allele CA338127449.
Genomic context (GRCh38, chr1:6,470,997, plus strand): 5'-CCGTCCAGGGTCCCGTCCTCCTGCGCCCCCGCCCACGGCACGCGCGCCCTCACCGTGATG[T>C]AGGCCCGGAAGAGGTCGTTGTCGCGCAGCAGGCCGCGCATGTACTCCATGCAGCCCTCCT-3'
Protein context (NP_065682.2, residues 452-472): LLRDNDLFRA[Tyr462Cys]ITWAEKHPQC

ClinVar aggregate classification (germline): Uncertain significance (1 of 4 stars; one submission).

Conditions:
Charcot-Marie-Tooth disease recessive intermediate C. Also called: CHARCOT-MARIE-TOOTH NEUROPATHY, RECESSIVE INTERMEDIATE C. Identifiers: Orphanet 369867, MedGen C3809309, MONDO:0014154, OMIM 615376.
Neuronopathy, distal hereditary motor, autosomal recessive 4. Also called: NEUROPATHY, DISTAL HEREDITARY MOTOR, AUTOSOMAL RECESSIVE 4; Autosomal recessive lower motor neuron disease with childhood onset. Identifiers: Orphanet 206580, MedGen C1970211, MONDO:0012608, OMIM 611067.

Submission:

Labcorp Genetics (formerly Invitae), Labcorp
Classification: Uncertain significance for Neuronopathy, distal hereditary motor, autosomal recessive 4; Charcot-Marie-Tooth disease recessive intermediate C. Last evaluated: 2020-08-12. Review status: criteria provided, single submitter. Criteria: Invitae Variant Classification Sherloc (09022015). Collection method: clinical testing. Allele origin: germline.
Comment: This sequence change replaces tyrosine with cysteine at codon 462 of the PLEKHG5 protein (p.Tyr462Cys). The tyrosine residue is highly conserved and there is a large physicochemical difference between tyrosine and cysteine. This variant is not present in population databases (ExAC no frequency). This variant has not been reported in the literature in individuals with PLEKHG5-related conditions. Algorithms developed to predict the effect of missense changes on protein structure and function are either unavailable or do not agree on the potential impact of this missense change (SIFT: "Deleterious"; PolyPhen-2: "Probably Damaging"; Align-GVGD: "Class C0"). In summary, the available evidence is currently insufficient to determine the role of this variant in disease. Therefore, it has been classified as a Variant of Uncertain Significance.